The following is an entry in ClinVar:

NC_000001.10:g.(?_237054413)_(237057877_?)del

Gene: MTR (5-methyltetrahydrofolate-homocysteine methyltransferase; plus strand). Cytogenetic location: 1q43.
Variant type: Deletion.
Identifiers: ClinVar variation 3247760 (VCV003247760.1).

ClinVar aggregate classification (germline): Pathogenic (1 of 4 stars; one submission).

Conditions:
Methylcobalamin deficiency type cblG (HMAG). Also called: HOMOCYSTINURIA-MEGALOBLASTIC ANEMIA DUE TO DEFECT IN COBALAMIN METABOLISM, cblG COMPLEMENTATION TYPE; HOMOCYSTINURIA-MEGALOBLASTIC ANEMIA, cblG TYPE; HOMOCYSTINURIA-MEGALOBLASTIC ANEMIA, cblG COMPLEMENTATION TYPE; Functional methionine synthase deficiency type cblG. Identifiers: Orphanet 2170, Orphanet 622, MedGen C1855128, MONDO:0009609, OMIM 250940.

Submission:

Labcorp Genetics (formerly Invitae), Labcorp
Classification: Pathogenic for Methylcobalamin deficiency type cblG. Last evaluated: 2023-12-12. Review status: criteria provided, single submitter. Criteria: Invitae Variant Classification Sherloc (09022015). Collection method: clinical testing. Allele origin: unknown.
Comment: This variant is a gross deletion of the genomic region encompassing exon(s) 29-30 of the MTR gene. This deletion is out-of-frame, and is expected to create a premature termination codon and result in an absent or disrupted protein product. Loss-of-function variants in MTR are known to be pathogenic (PMID: 9683607, 12068375). This variant has not been reported in the literature in individuals affected with MTR-related conditions. For these reasons, this variant has been classified as Pathogenic.

Literature cited by the submitters: PubMed 9683607; PubMed 12068375.